The following is an entry in ClinVar:

ClinVar aggregate classification (germline): Uncertain significance (1 of 4 stars; one submission).

Conditions:
Inborn genetic diseases. Identifiers: MedGen C0950123, MeSH D030342.

Allele frequency attached by ClinVar (database versions not stated): gnomAD 0.00001; TOPMed 0.00001.
gnomAD v4.1: 1 of 1,613,908 alleles (0.000062%); highest among the groups gnomAD compares: Non-Finnish European, 0.000085%; no homozygotes.

Submission:

Ambry Genetics
Classification: Uncertain significance for Inborn genetic diseases. Last evaluated: 2023-09-28. Review status: criteria provided, single submitter. Criteria: Ambry Variant Classification Scheme 2023. Collection method: clinical testing. Allele origin: germline.
Comment: The p.A1690S variant (also known as c.5068G>T), located in coding exon 29 of the ATR gene, results from a G to T substitution at nucleotide position 5068. The alanine at codon 1690 is replaced by serine, an amino acid with similar properties. This amino acid position is conserved. In addition, this alteration is predicted to be tolerated by in silico analysis. Since supporting evidence is limited at this time, the clinical significance of this alteration remains unclear.

NM_001184.4(ATR):c.5068G>T (p.Ala1690Ser)

Gene: ATR (ATR checkpoint kinase; minus strand). Cytogenetic location: 3q23.
Variant type: single nucleotide variant.
Coding change: c.5068G>T on transcript NM_001184.4 (MANE Select); coding-DNA position 5068, G replaced by T.
Protein change: p.Ala1690Ser; replaces alanine 1690 with serine.
Molecular consequence: missense variant.
Genome position (GRCh38, 1-based): chr3:142,505,267, C>A on the plus strand (G>T on the coding strand, the complement: ATR is on the minus strand). VCF-style: chr3-142505267-C-A. GRCh37 (hg19) VCF-style: chr3-142224109-C-A.
Other names: c.4876G>T, p.Ala1626Ser (NM_001354579.2); short protein forms A1626S, A1690S.
Identifiers: ClinVar variation 3221191 (VCV003221191.1), dbSNP rs2032178117, ClinGen allele CA354820074.